The following is an entry in ClinVar:

ClinVar aggregate classification (germline): Uncertain significance (1 of 4 stars; one submission).

Conditions:
Ehlers-Danlos syndrome, classic type, 1 (EDSCL1). Also called: EDS I; Ehlers-Danlos syndrome, type 1; EHLERS-DANLOS SYNDROME, GRAVIS TYPE; EHLERS-DANLOS SYNDROME, SEVERE CLASSIC TYPE; Ehlers-Danlos Syndrome, Classic Type, COL5A1-Related. Identifiers: MedGen C0268335, MONDO:0019567, OMIM 130000.

Allele frequency attached by ClinVar (database versions not stated): gnomAD exomes below 0.00001; TOPMed 0.00001.
gnomAD v4.1: 1 of 1,613,782 alleles (0.000062%); highest among the groups gnomAD compares: Non-Finnish European, 0.000085%; no homozygotes.

Submission:

Labcorp Genetics (formerly Invitae), Labcorp
Classification: Uncertain significance for Ehlers-Danlos syndrome, classic type, 1. Last evaluated: 2022-08-16. Review status: criteria provided, single submitter. Criteria: Invitae Variant Classification Sherloc (09022015). Collection method: clinical testing. Allele origin: germline.
Comment: This sequence change replaces cysteine, which is neutral and slightly polar, with phenylalanine, which is neutral and non-polar, at codon 1450 of the COL5A2 protein (p.Cys1450Phe). In summary, the available evidence is currently insufficient to determine the role of this variant in disease. Therefore, it has been classified as a Variant of Uncertain Significance. Advanced modeling of protein sequence and biophysical properties (such as structural, functional, and spatial information, amino acid conservation, physicochemical variation, residue mobility, and thermodynamic stability) performed at Invitae indicates that this missense variant is expected to disrupt COL5A2 protein function. This variant has not been reported in the literature in individuals affected with COL5A2-related conditions. This variant is not present in population databases (gnomAD no frequency).

NM_000393.5(COL5A2):c.4349G>T (p.Cys1450Phe)

Gene: COL5A2 (collagen type V alpha 2 chain; minus strand). Cytogenetic location: 2q32.2.
Variant type: single nucleotide variant.
Coding change: c.4349G>T on transcript NM_000393.5 (MANE Select); coding-DNA position 4349, G replaced by T.
Protein change: p.Cys1450Phe; replaces cysteine 1450 with phenylalanine.
Molecular consequence: missense variant.
Genome position (GRCh38, 1-based): chr2:189,034,920, C>A on the plus strand (G>T on the coding strand, the complement: COL5A2 is on the minus strand). VCF-style: chr2-189034920-C-A. GRCh37 (hg19) VCF-style: chr2-189899646-C-A.
Other names: short protein forms C1450F.
Identifiers: ClinVar variation 1716483 (VCV001716483.6), dbSNP rs1685413023, ClinGen allele CA349854777.